The following is an entry in ClinVar:

ClinVar aggregate classification (germline): Uncertain significance (1 of 4 stars; one submission).

Conditions:
COG5-congenital disorder of glycosylation. Also called: CDG IIi; CONGENITAL DISORDER OF GLYCOSYLATION, TYPE IIi; COG5-CDG. Identifiers: Orphanet 263487, MedGen C3150876, MONDO:0013325, OMIM 613612.

Allele frequency attached by ClinVar (database versions not stated): gnomAD exomes below 0.00001.
gnomAD v4.1: 1 of 1,609,734 alleles (0.000062%); highest among the groups gnomAD compares: Admixed American, 0.0017%; no homozygotes.

Submission:

Labcorp Genetics (formerly Invitae), Labcorp
Classification: Uncertain significance for COG5-congenital disorder of glycosylation. Last evaluated: 2022-01-15. Review status: criteria provided, single submitter. Criteria: Invitae Variant Classification Sherloc (09022015). Collection method: clinical testing. Allele origin: germline.
Comment: In summary, the available evidence is currently insufficient to determine the role of this variant in disease. Therefore, it has been classified as a Variant of Uncertain Significance. Algorithms developed to predict the effect of missense changes on protein structure and function are either unavailable or do not agree on the potential impact of this missense change (SIFT: "Deleterious"; PolyPhen-2: "Benign"; Align-GVGD: "Class C15"). This variant has not been reported in the literature in individuals affected with COG5-related conditions. This variant is not present in population databases (gnomAD no frequency). This sequence change replaces serine, which is neutral and polar, with phenylalanine, which is neutral and non-polar, at codon 596 of the COG5 protein (p.Ser596Phe).

NM_006348.5(COG5):c.1694C>T (p.Ser565Phe)

Gene: COG5 (component of oligomeric golgi complex 5; minus strand). Cytogenetic location: 7q22.3.
Variant type: single nucleotide variant.
Coding change: c.1694C>T on transcript NM_006348.5 (MANE Select); coding-DNA position 1694, C replaced by T.
Protein change: p.Ser565Phe; replaces serine 565 with phenylalanine.
Molecular consequence: missense variant. On other transcripts: intron variant (2).
Genome position (GRCh38, 1-based): chr7:107,256,787, G>A on the plus strand (C>T on the coding strand, the complement: COG5 is on the minus strand). VCF-style: chr7-107256787-G-A. GRCh37 (hg19) VCF-style: chr7-106897232-G-A.
Other names: c.1694C>T, p.Ser565Phe (NM_001161520.2, NM_001379513.1, NM_001379514.1); c.1532C>T, p.Ser511Phe (NM_001379511.1); c.1124C>T, p.Ser375Phe (NM_001379515.1); c.980C>T, p.Ser327Phe (NM_001379516.1); c.1576-8288C>T (NM_001379512.1); c.1686+1486C>T (NM_181733.4); short protein forms S375F, S511F, S565F, S327F.
Identifiers: ClinVar variation 2083574 (VCV002083574.4), dbSNP rs2535971540, ClinGen allele CA368940745.